The following is an entry in ClinVar:

NM_000044.6(AR):c.239_240insGCAGCAGC (p.Glu81fs)

Genes: AR (androgen receptor; plus strand), LOC109504725 (androgen receptor repeat instability region; plus strand). Cytogenetic location: Xq12.
Variant type: Insertion.
Coding change: c.239_240insGCAGCAGC on transcript NM_000044.6 (MANE Select); coding-DNA positions 239 to 240, GCAGCAGC inserted.
Protein change: p.Glu81fs; shifts the reading frame from glutamic acid 81.
Molecular consequence: frameshift variant. On other transcripts: 5 prime UTR variant (1).
Genome position: GRCh38 VCF-style: chrX-67545385-A-AGCAGCAGC. GRCh37 (hg19) VCF-style: chrX-66765227-A-AGCAGCAGC.
Other names: c.-1545_-1544insGCAGCAGC (NM_001011645.3); c.239_240insGCAGCAGC, p.Glu81fs (NM_001348061.1, NM_001348063.1, NM_001348064.1); short protein forms E81fs.
Identifiers: ClinVar variation 937145 (VCV000937145.7), dbSNP rs1569263642, ClinGen allele CA1139667622.

ClinVar aggregate classification (germline): Pathogenic (1 of 4 stars; one submission).

Conditions:
Androgen resistance syndrome (AIS). Also called: ANDROGEN RECEPTOR DEFICIENCY; Androgen insensitivity syndrome; Androgen insensitivity, complete; Androgen insensitivity; DIHYDROTESTOSTERONE RECEPTOR DEFICIENCY; TESTICULAR FEMINIZATION SYNDROME. Identifiers: Orphanet 754, Orphanet 99429, MedGen C0039585, MONDO:0019154, OMIM 300068. Disease mechanism: loss of function.
Kennedy disease (SMAX1). Also called: SPINAL AND BULBAR MUSCULAR ATROPHY, X-LINKED 1; KENNEDY SPINAL AND BULBAR MUSCULAR ATROPHY; Spinal and Bulbar Muscular Atrophy. Identifiers: Orphanet 481, MedGen C1839259, MONDO:0010735, OMIM 313200.

Submission:

Labcorp Genetics (formerly Invitae), Labcorp
Classification: Pathogenic for Kennedy disease; Androgen resistance syndrome. Last evaluated: 2019-08-23. Review status: criteria provided, single submitter. Criteria: Invitae Variant Classification Sherloc (09022015). Collection method: clinical testing. Allele origin: germline.
Comment: This sequence change creates a premature translational stop signal (p.Glu81Glnfs*97) in the AR gene. It is expected to result in an absent or disrupted protein product. This variant is not present in population databases (ExAC no frequency). This variant has not been reported in the literature in individuals with AR-related conditions. Loss-of-function variants in AR are known to be pathogenic (PMID: 19463997). For these reasons, this variant has been classified as Pathogenic.

Literature cited by the submitters: PubMed 19463997.